The following is an entry in ClinVar:

ClinVar aggregate classification (germline): Uncertain significance (1 of 4 stars; one submission).

Conditions:
Cortical dysplasia-focal epilepsy syndrome (PTHSL1). Also called: Pitt-Hopkins-like syndrome 1. Identifiers: Orphanet 163681, Orphanet 221150, MedGen C2750246, MONDO:0012400, OMIM 610042.

Allele frequency attached by ClinVar (database versions not stated): gnomAD exomes below 0.00001 and 0.00001; TOPMed 0.00001.
gnomAD v4.1: 2 of 1,614,124 alleles (0.00012%); highest among the groups gnomAD compares: East Asian, 0.0045%; no homozygotes.

Submission:

Labcorp Genetics (formerly Invitae), Labcorp
Classification: Uncertain significance for Cortical dysplasia-focal epilepsy syndrome. Last evaluated: 2022-07-26. Review status: criteria provided, single submitter. Criteria: Invitae Variant Classification Sherloc (09022015). Collection method: clinical testing. Allele origin: germline.
Comment: Algorithms developed to predict the effect of missense changes on protein structure and function (SIFT, PolyPhen-2, Align-GVGD) all suggest that this variant is likely to be disruptive. ClinVar contains an entry for this variant (Variation ID: 999628). This variant has not been reported in the literature in individuals affected with CNTNAP2-related conditions. This variant is present in population databases (no rsID available, gnomAD 0.01%). This sequence change replaces alanine, which is neutral and non-polar, with valine, which is neutral and non-polar, at codon 1108 of the CNTNAP2 protein (p.Ala1108Val). In summary, the available evidence is currently insufficient to determine the role of this variant in disease. Therefore, it has been classified as a Variant of Uncertain Significance.

NM_014141.6(CNTNAP2):c.3323C>T (p.Ala1108Val)

Gene: CNTNAP2 (contactin associated protein 2; plus strand). Cytogenetic location: 7q36.1.
Variant type: single nucleotide variant.
Coding change: c.3323C>T on transcript NM_014141.6 (MANE Select); coding-DNA position 3323, C replaced by T.
Protein change: p.Ala1108Val; replaces alanine 1108 with valine.
Molecular consequence: missense variant.
Genome position (GRCh38, 1-based): chr7:148,229,721, C>T. VCF-style: chr7-148229721-C-T. GRCh37 (hg19) VCF-style: chr7-147926813-C-T.
Other names: short protein forms A1108V.
Identifiers: ClinVar variation 999628 (VCV000999628.12), dbSNP rs1359189375, ClinGen allele CA369929726.